The following is an entry in ClinVar:

ClinVar aggregate classification (germline): Uncertain significance. Review status: criteria provided, multiple submitters, no conflicts (2 of 4 stars). 5 submissions from 5 submitters: Uncertain significance (5). Last evaluated 2025-10-23.

Conditions:
SRP72-related disorder. Also called: SRP72-related condition.
Autosomal dominant aplasia and myelodysplasia. Also called: Bone marrow failure syndrome 1. Identifiers: Orphanet 314399, MedGen C3808553, MONDO:0013851, OMIM 614675.

Allele frequency attached by ClinVar (database versions not stated): TOPMed below 0.00001; gnomAD exomes 0.00001; ExAC 0.00003.

Submissions (5):

PreventionGenetics, part of Exact Sciences
Classification: Uncertain significance for SRP72-related condition. Last evaluated: 2025-10-23. Review status: criteria provided, single submitter. Criteria: ACMG Guidelines, 2015. Collection method: clinical testing. Allele origin: germline.
Comment: The SRP72 c.122A>G variant is predicted to result in the amino acid substitution p.Asn41Ser. To our knowledge, this variant has not been reported in the literature. This variant is reported in 0.0066% of alleles in individuals of South Asian descent in gnomAD. At this time, the clinical significance of this variant is uncertain due to the absence of conclusive functional and genetic evidence.

Ambry Genetics
Classification: Uncertain significance. Last evaluated: 2025-04-12. Review status: criteria provided, single submitter. Criteria: Ambry Variant Classification Scheme 2023. Collection method: clinical testing. Allele origin: germline.
Comment: The p.N41S variant (also known as c.122A>G), located in coding exon 2 of the SRP72 gene, results from an A to G substitution at nucleotide position 122. The asparagine at codon 41 is replaced by serine, an amino acid with highly similar properties. This amino acid position is conserved. In addition, this alteration is predicted to be tolerated by in silico analysis. Based on the available evidence, the clinical significance of this variant remains unclear.

Fulgent Genetics
Classification: Uncertain significance for Autosomal dominant aplasia and myelodysplasia. Last evaluated: 2024-06-19. Review status: criteria provided, single submitter. Criteria: ACMG Guidelines, 2015. Collection method: clinical testing. Allele origin: germline.

Labcorp Genetics (formerly Invitae), Labcorp
Classification: Uncertain significance. Last evaluated: 2023-05-15. Review status: criteria provided, single submitter. Criteria: Invitae Variant Classification Sherloc (09022015). Collection method: clinical testing. Allele origin: germline.
Comment: In summary, the available evidence is currently insufficient to determine the role of this variant in disease. Therefore, it has been classified as a Variant of Uncertain Significance. Advanced modeling of protein sequence and biophysical properties (such as structural, functional, and spatial information, amino acid conservation, physicochemical variation, residue mobility, and thermodynamic stability) performed at Invitae indicates that this missense variant is not expected to disrupt SRP72 protein function. This variant has not been reported in the literature in individuals affected with SRP72-related conditions. This variant is present in population databases (rs760548618, gnomAD 0.007%). This sequence change replaces asparagine, which is neutral and polar, with serine, which is neutral and polar, at codon 41 of the SRP72 protein (p.Asn41Ser).

CeGaT Center for Human Genetics Tuebingen
Classification: Uncertain significance. Last evaluated: 2023-02-01. Review status: criteria provided, single submitter. Criteria: CeGaT Center For Human Genetics Tuebingen Variant Classification Criteria Version 2. Collection method: clinical testing. Allele origin: germline. Affected: yes. Observed: 1 variant allele.
Comment: SRP72: PM2:Supporting, BP4

NM_006947.4(SRP72):c.122A>G (p.Asn41Ser)

Gene: SRP72 (signal recognition particle 72; plus strand). Cytogenetic location: 4q12.
Variant type: single nucleotide variant.
Coding change: c.122A>G on transcript NM_006947.4 (MANE Select); coding-DNA position 122, A replaced by G.
Protein change: p.Asn41Ser; replaces asparagine 41 with serine.
Molecular consequence: missense variant. On other transcripts: non-coding transcript variant (1).
Genome position (GRCh38, 1-based): chr4:56,469,665, A>G. VCF-style: chr4-56469665-A-G. GRCh37 (hg19) VCF-style: chr4-57335831-A-G.
Other names: c.122A>G (NM_006947.3); c.122A>G, p.Asn41Ser (NM_001267722.2); short protein forms N41S.
Identifiers: ClinVar variation 2654771 (VCV002654771.29), dbSNP rs760548618, ClinGen allele CA2930975.